The following is an entry in ClinVar:

NM_001098426.2(SMARCD2):c.1291C>T (p.Gln431Ter)

Gene: SMARCD2 (SWI/SNF related BAF chromatin remodeling complex subunit D2; minus strand). Cytogenetic location: 17q23.3.
Variant type: single nucleotide variant.
Coding change: c.1291C>T on transcript NM_001098426.2 (MANE Select); coding-DNA position 1291, C replaced by T.
Protein change: p.Gln431Ter; replaces glutamine 431 with a stop codon.
Molecular consequence: nonsense.
Genome position (GRCh38, 1-based): chr17:63,833,613, G>A on the plus strand (C>T on the coding strand, the complement: SMARCD2 is on the minus strand). VCF-style: chr17-63833613-G-A. GRCh37 (hg19) VCF-style: chr17-61910973-G-A.
Other names: c.1066C>T, p.Gln356Ter (NM_001330439.1); c.1147C>T, p.Gln383Ter (NM_001330440.2); short protein forms Q383*, Q431*, Q356*.
Identifiers: ClinVar variation 1397694 (VCV001397694.6), dbSNP rs2144625913, ClinGen allele CA400598674.

ClinVar aggregate classification (germline): Pathogenic (1 of 4 stars; one submission).

Submission:

Labcorp Genetics (formerly Invitae), Labcorp
Classification: Pathogenic. Last evaluated: 2021-08-17. Review status: criteria provided, single submitter. Criteria: Invitae Variant Classification Sherloc (09022015). Collection method: clinical testing. Allele origin: germline.
Comment: For these reasons, this variant has been classified as Pathogenic. Algorithms developed to predict the effect of sequence changes on RNA splicing suggest that this variant may create or strengthen a splice site. This variant has not been reported in the literature in individuals affected with SMARCD2-related conditions. This variant is not present in population databases (ExAC no frequency). This sequence change creates a premature translational stop signal (p.Gln431*) in the SMARCD2 gene. It is expected to result in an absent or disrupted protein product. Loss-of-function variants in SMARCD2 are known to be pathogenic (PMID: 28369036).

Literature cited by the submitters: PubMed 28369036.